The following is an entry in ClinVar:

NM_019032.6(ADAMTSL4):c.745dup (p.Leu249fs)

Genes: ADAMTSL4 (ADAMTS like 4; plus strand), ADAMTSL4-AS2 (ADAMTSL4 antisense RNA 2; minus strand). Cytogenetic location: 1q21.2.
Variant type: Duplication.
Coding change: c.745dup on transcript NM_019032.6 (MANE Select); coding-DNA position 745, one base duplicated (C; older notation c.745dupC).
Protein change: p.Leu249fs; shifts the reading frame from leucine 249.
Molecular consequence: frameshift variant.
Genome position (GRCh38, 1-based): chr1:150,553,736, C duplicated; the last of 6 consecutive C bases (chr1:150,553,731-150,553,736); duplicating any one gives the same sequence. VCF-style (leftmost placement, unchanged base first): chr1-150553730-G-GC. GRCh37 (hg19) VCF-style: chr1-150526206-G-GC.
Other names: c.745dup, p.Leu249fs (NM_025008.5, NM_001288607.2, NM_001288608.2 and 1 more transcripts); short protein forms L249fs.
Identifiers: ClinVar variation 1919041 (VCV001919041.5), dbSNP rs761084716, ClinGen allele CA1078022.
Genomic context (GRCh38, chr1:150,553,730, plus strand): 5'-CAAGCAGAACCTCTAAGCCCTGAAACTGCTCAGACAGAGGTGGCCCCCAGAACCAGGCCT[G>GC]CCCCCCTACGGCATCACCCCAGAGCCCAGGCCTCTGGCACAGAGCCCCCCTCACCCACGC-3'

ClinVar aggregate classification (germline): Pathogenic (1 of 4 stars; one submission).

Submission:

Labcorp Genetics (formerly Invitae), Labcorp
Classification: Pathogenic. Last evaluated: 2021-12-10. Review status: criteria provided, single submitter. Criteria: Invitae Variant Classification Sherloc (09022015). Collection method: clinical testing. Allele origin: germline.
Comment: This variant is present in population databases (rs761084716, gnomAD 0.002%). For these reasons, this variant has been classified as Pathogenic. This variant has not been reported in the literature in individuals affected with ADAMTSL4-related conditions. This sequence change creates a premature translational stop signal (p.Leu249Profs*52) in the ADAMTSL4 gene. It is expected to result in an absent or disrupted protein product. Loss-of-function variants in ADAMTSL4 are known to be pathogenic (PMID: 20564469, 28642162).

Literature cited by the submitters: PubMed 20564469; PubMed 28642162.